The following is an entry in ClinVar:

ClinVar aggregate classification (germline): Pathogenic (1 of 4 stars; one submission).

Submission:

Labcorp Genetics (formerly Invitae), Labcorp
Classification: Pathogenic. Last evaluated: 2019-07-25. Review status: criteria provided, single submitter. Criteria: Invitae Variant Classification Sherloc (09022015). Collection method: clinical testing. Allele origin: germline.
Comment: Loss-of-function variants in KIZ are known to be pathogenic (PMID: 24680887, 29057815). This variant has not been reported in the literature in individuals with KIZ-related conditions. This variant is not present in population databases (ExAC no frequency). This sequence change creates a premature translational stop signal (p.Gly255*) in the KIZ gene. It is expected to result in an absent or disrupted protein product. For these reasons, this variant has been classified as Pathogenic.

Literature cited by the submitters: PubMed 24680887; PubMed 29057815.

NM_018474.6(KIZ):c.762_763inv (p.Gly255Ter)

Gene: KIZ (kizuna centrosomal protein; plus strand). Cytogenetic location: 20p11.23.
Variant type: Inversion.
Coding change: c.762_763inv on transcript NM_018474.6 (MANE Select).
Protein change: p.Gly255Ter; replaces glycine 255 with a stop codon.
Molecular consequence: nonsense.
Genome position: GRCh38 VCF-style: chr20-21162227-AG-CT. GRCh37 (hg19) VCF-style: chr20-21142868-AG-CT.
Other names: c.453_454inv, p.Gly152Ter (NM_001163022.3, NM_001352435.2); c.363_364inv, p.Gly122Ter (NM_001163023.3); c.615_616inv, p.Gly206Ter (NM_001276389.2); c.762_763inv, p.Gly255Ter (NM_001352434.2); c.420_421inv, p.Gly141Ter (NM_001352436.2); short protein forms G141*, G206*, G255*, G122*, G152*.
Identifiers: ClinVar variation 959798 (VCV000959798.7), ClinGen allele CA1139666666.